The following is an entry in ClinVar:

NM_001042492.3(NF1):c.7747_7748del (p.Arg2583fs)

Gene: NF1 (neurofibromin 1; plus strand). Cytogenetic location: 17q11.2.
Variant type: Microsatellite.
Coding change: c.7747_7748del on transcript NM_001042492.3 (MANE Select); coding-DNA positions 7747 to 7748, 2 bases deleted (AG; older notation c.7747_7748delAG).
Protein change: p.Arg2583fs; shifts the reading frame from arginine 2583.
Molecular consequence: frameshift variant.
Genome position (GRCh38, 1-based): chr17:31,356,968-31,356,969, AG deleted; deleting any 2 consecutive bases within chr17:31,356,966-31,356,969 gives the same sequence; the c. name uses the placement nearest the transcript's 3' end. VCF-style (leftmost placement, unchanged base first): chr17-31356965-CAG-C. GRCh37 (hg19) VCF-style: chr17-29683983-CAG-C.
Other names: c.7682_7683AG[1], p.Arg2562Aspfs (NM_000267.4); c.7747_7748del (NM_001042492.2); c.7684_7685delAG (NM_000267.3); short protein forms R2562fs, R2583fs.
Identifiers: ClinVar variation 431693 (VCV000431693.52), dbSNP rs1135402907, ClinGen allele CA645373115.

ClinVar aggregate classification (germline): Pathogenic. Review status: criteria provided, multiple submitters, no conflicts (2 of 4 stars). 7 submissions from 7 submitters: Pathogenic (6). 1 of the submissions does not count toward it. Last evaluated 2024-10-01.

Conditions:
Neurofibromatosis, type 1 (NF1). Also called: Peripheral type neurofibromatosis; NEUROFIBROMATOSIS, TYPE I, SOMATIC; VON RECKLINGHAUSEN DISEASE; Neurofibromatosis, type I. Identifiers: Orphanet 636, MedGen C0027831, MONDO:0018975, OMIM 162200. Disease mechanism: loss of function.
Hereditary cancer-predisposing syndrome. Also called: Hereditary neoplastic syndrome; Tumor predisposition; Hereditary Cancer Syndrome; Neoplastic Syndromes, Hereditary. Identifiers: Orphanet 140162, MedGen C0027672, MeSH D009386, MONDO:0015356.
Cardiovascular phenotype. Identifiers: MedGen CN230736.

Submissions (7):

Ambry Genetics
Classification: Pathogenic for Cardiovascular phenotype; Hereditary cancer-predisposing syndrome. Last evaluated: 2024-10-01. Review status: criteria provided, single submitter. Criteria: Ambry Variant Classification Scheme 2023. Collection method: clinical testing. Allele origin: germline.
Comment: The c.7684_7685delAG pathogenic mutation, located in coding exon 52 of the NF1 gene, results from a deletion of two nucleotides at nucleotide positions 7684 to 7685, causing a translational frameshift with a predicted alternate stop codon (p.R2562Dfs*12). This variant has been observed in multiple individuals with features consistent with neurofibromatosis type 1 (De Luca A et al. Hum Mutat, 2004 Jun;23:629; Morbidoni V et al. Cancers (Basel), 2021 Feb;13; Sharifi S et al. Balkan Med J, 2021 Nov;38:365-373; Kocabey M et al. Int J Dev Neurosci, 2023 Aug;83:456-465; Ambry internal data). Of note, this variant is designated as c.7682_7683delAG, c.7745_7746delAG, and c.7747_7748delAG in the literature. This variant is considered to be rare based on population cohorts in the Genome Aggregation Database (gnomAD). In addition to the clinical data presented in the literature, this alteration is expected to result in loss of function by premature protein truncation or nonsense-mediated mRNA decay. As such, this alteration is interpreted as a disease-causing mutation.

GeneDx
Classification: Pathogenic. Last evaluated: 2024-03-28. Review status: criteria provided, single submitter. Criteria: GeneDx Variant Classification Process June 2021. Collection method: clinical testing. Allele origin: germline. Affected: yes.
Comment: Frameshift variant predicted to result in protein truncation or nonsense mediated decay in a gene for which loss of function is a known mechanism of disease; Not observed at significant frequency in large population cohorts (gnomAD); This variant is associated with the following publications: (PMID: 35982159, 35982160, 15146469)

Labcorp Genetics (formerly Invitae), Labcorp
Classification: Pathogenic for Neurofibromatosis, type 1. Last evaluated: 2022-05-28. Review status: criteria provided, single submitter. Criteria: Invitae Variant Classification Sherloc (09022015). Collection method: clinical testing. Allele origin: germline.
Comment: For these reasons, this variant has been classified as Pathogenic. ClinVar contains an entry for this variant (Variation ID: 431693). This variant is also known as c.7682_7683delAG. This premature translational stop signal has been observed in individual(s) with neurofibromatosis type 1 (NF1) (PMID: 15146469). This variant is not present in population databases (gnomAD no frequency). This sequence change creates a premature translational stop signal (p.Arg2562Aspfs*12) in the NF1 gene. It is expected to result in an absent or disrupted protein product. Loss-of-function variants in NF1 are known to be pathogenic (PMID: 10712197, 23913538).

Genome-Nilou Lab
Classification: Pathogenic for Neurofibromatosis, type 1. Last evaluated: 2022-03-15. Review status: criteria provided, single submitter. Criteria: ACMG Guidelines, 2015. Collection method: clinical testing. Allele origin: germline. Affected: no.

Genome Diagnostics Laboratory, The Hospital for Sick Children
Classification: Pathogenic for Neurofibromatosis, type 1. Last evaluated: 2020-10-26. Review status: criteria provided, single submitter. Criteria: ACMG Guidelines, 2015. Collection method: clinical testing. Allele origin: germline. Affected: yes.

CeGaT Center for Human Genetics Tuebingen
Classification: Pathogenic. Last evaluated: 2020-03-01. Review status: criteria provided, single submitter. Criteria: CeGaT Center For Human Genetics Tuebingen Variant Classification Criteria Version 2. Collection method: clinical testing. Allele origin: germline. Affected: yes. Observed: 1 variant allele.

Medical Genetics, University of Parma
Classification: Pathogenic for Neurofibromatosis type 1. Last evaluated: 2017-02-02. Review status: no assertion criteria provided. Collection method: clinical testing. Allele origin: germline. Affected: yes. Not counted in ClinVar's aggregate classification.

Literature cited by the submitters: PubMed 15146469 (cited by Ambry Genetics and Labcorp Genetics (formerly Invitae), Labcorp); PubMed 33673681 (cited by Ambry Genetics); PubMed 34860164 (cited by Ambry Genetics); PubMed 37280783 (cited by Ambry Genetics); PubMed 10712197 (cited by Labcorp Genetics (formerly Invitae), Labcorp); PubMed 23913538 (cited by Labcorp Genetics (formerly Invitae), Labcorp).